The following is an entry in ClinVar:

ClinVar aggregate classification (germline): Likely benign. Review status: criteria provided, multiple submitters, no conflicts (2 of 4 stars). 2 submissions from 2 submitters: Likely benign (2). Last evaluated 2024-07-01.

Conditions:
Oligodontia-cancer predisposition syndrome. Also called: TOOTH AGENESIS-COLORECTAL CANCER SYNDROME. Identifiers: Orphanet 300576, MedGen C1837750, MONDO:0012075, OMIM 608615. Disease mechanism: loss of function.

Allele frequency attached by ClinVar (database versions not stated): TOPMed below 0.00001.
gnomAD v4.1: 1 of 1,542,188 alleles (0.000065%); highest among the groups gnomAD compares: Non-Finnish European, 0.000087%; no homozygotes.

Submissions (2):

Myriad Genetics, Inc.
Classification: Likely benign for Oligodontia-cancer predisposition syndrome. Last evaluated: 2024-07-01. Review status: criteria provided, single submitter. Criteria: Myriad Autosomal Dominant, Autosomal Recessive and X-Linked Classification Criteria (2023). Collection method: clinical testing. Allele origin: unknown.
Comment: This variant is considered likely benign. This variant is intronic and is not expected to impact mRNA splicing.

Labcorp Genetics (formerly Invitae), Labcorp
Classification: Likely benign for Oligodontia-cancer predisposition syndrome. Last evaluated: 2023-09-01. Review status: criteria provided, single submitter. Criteria: Invitae Variant Classification Sherloc (09022015). Collection method: clinical testing. Allele origin: germline.

NM_004655.4(AXIN2):c.1201-8C>T

Gene: AXIN2 (axin 2; minus strand). Cytogenetic location: 17q24.1.
Variant type: single nucleotide variant.
Coding change: c.1201-8C>T on transcript NM_004655.4 (MANE Select); 8 bases into the intron before coding-DNA position 1201, C replaced by T.
Molecular consequence: intron variant.
Genome position (GRCh38, 1-based): chr17:65,537,843, G>A on the plus strand (C>T on the coding strand, the complement: AXIN2 is on the minus strand). VCF-style: chr17-65537843-G-A. GRCh37 (hg19) VCF-style: chr17-63533961-G-A.
Other names: c.1201-8C>T (LRG_296t1, NM_001363813.1).
Identifiers: ClinVar variation 533258 (VCV000533258.9), dbSNP rs1555578172, ClinGen allele CA658798957.